The following is an entry in ClinVar:

ClinVar aggregate classification (germline): Likely benign (0 of 4 stars; one submission).

Conditions:
DNAH6-related disorder. Also called: DNAH6-related condition.

gnomAD v4.1: 6 of 1,613,972 alleles (0.00037%); highest among the groups gnomAD compares: East Asian, 0.0022%; no homozygotes.

Submission:

PreventionGenetics, part of Exact Sciences
Classification: Likely benign for DNAH6-related condition. Last evaluated: 2019-02-22. Review status: no assertion criteria provided. Collection method: clinical testing. Allele origin: germline.
Comment: This variant is classified as likely benign based on ACMG/AMP sequence variant interpretation guidelines (Richards et al. 2015 PMID: 25741868, with internal and published modifications).

NM_001370.2(DNAH6):c.1248T>C (p.Tyr416=)

Gene: DNAH6 (dynein axonemal heavy chain 6; plus strand). Cytogenetic location: 2p11.2.
Variant type: single nucleotide variant.
Coding change: c.1248T>C on transcript NM_001370.2 (MANE Select); coding-DNA position 1248, T replaced by C.
Protein change: p.Tyr416=; no amino-acid change (tyrosine 416 retained).
Molecular consequence: synonymous variant.
Genome position (GRCh38, 1-based): chr2:84,548,349, T>C. VCF-style: chr2-84548349-T-C. GRCh37 (hg19) VCF-style: chr2-84775473-T-C.
Identifiers: ClinVar variation 3047085 (VCV003047085.2), dbSNP rs902169852, ClinGen allele CA427056681.